The following is an entry in ClinVar:

NM_000360.4(TH):c.548dup (p.Asp184fs)

Gene: TH (tyrosine hydroxylase; minus strand). Cytogenetic location: 11p15.5.
Variant type: Duplication.
Coding change: c.548dup on transcript NM_000360.4 (MANE Select); coding-DNA position 548, one base duplicated (T; older notation c.548dupT).
Protein change: p.Asp184fs; shifts the reading frame from aspartic acid 184.
Molecular consequence: frameshift variant.
Genome position (GRCh38, 1-based): chr11:2,168,119, A duplicated on the plus strand (T on the coding strand, the reverse complement: TH is on the minus strand); the first of 2 consecutive A bases (chr11:2,168,119-2,168,120); duplicating either gives the same sequence. VCF-style (leftmost placement, unchanged base first): chr11-2168118-G-GA. GRCh37 (hg19) VCF-style: chr11-2189348-G-GA.
Other names: c.641dup, p.Asp215fs (NM_199292.3); c.629dup, p.Asp211fs (NM_199293.3); short protein forms D184fs, D211fs, D215fs.
Identifiers: ClinVar variation 1726115 (VCV001726115.2), dbSNP rs2495817506, ClinGen allele CA2580082617.

ClinVar aggregate classification (germline): Likely pathogenic (1 of 4 stars; one submission).

Conditions:
TH-deficient dopa-responsive dystonia. Also called: Segawa syndrome, autosomal recessive; DYT-TH; Tyrosine Hydroxylase-Deficient Dopa-Responsive Dystonia. Identifiers: Orphanet 101150, MedGen C2673535, MONDO:0011551, OMIM 605407.

Submission:

Myriad Genetics, Inc.
Classification: Likely pathogenic for TH-deficient dopa-responsive dystonia. Last evaluated: 2022-05-18. Review status: criteria provided, single submitter. Criteria: Myriad Women's Health Autosomal Recessive and X-Linked Classification Criteria (2021). Collection method: clinical testing. Allele origin: unknown.
Comment: NM_199292.2(TH):c.641dupT(D215Rfs*3) is expected to be pathogenic in the context of tyrosine hydroxylase deficiency. This variant is predicted to lead to an abnormal or absent protein product due to the creation of a premature termination codon in TH, a gene where loss-of-function variants are known to be pathogenic. Please note: this variant was assessed in the context of healthy population screening.